The following is an entry in ClinVar:

ClinVar aggregate classification (germline): Uncertain significance (1 of 4 stars; one submission).

Conditions:
Leber congenital amaurosis 5 (LCA5). Also called: Amaurosis congenita of Leber, type 5. Identifiers: Orphanet 65, MedGen C1858301, MONDO:0011473, OMIM 604537.

gnomAD v4.1: 17 of 1,613,730 alleles (0.0011%); highest among the groups gnomAD compares: East Asian, 0.0045%; no homozygotes.

Submission:

Clinical Genetics Laboratory, University Hospital Schleswig-Holstein
Classification: Uncertain significance for Leber congenital amaurosis 5. Last evaluated: 2025-10-09. Review status: criteria provided, single submitter. Criteria: ACMG Guidelines, 2015. Collection method: clinical testing. Allele origin: germline. Affected: yes. Observed: 1 heterozygote.
Comment: ACMG criteria applied: PM2, PP3

NM_001122769.3(LCA5):c.460G>A (p.Glu154Lys)

Gene: LCA5 (lebercilin LCA5; minus strand). Cytogenetic location: 6q14.1.
Variant type: single nucleotide variant.
Coding change: c.460G>A on transcript NM_001122769.3 (MANE Select); coding-DNA position 460, G replaced by A.
Protein change: p.Glu154Lys; replaces glutamic acid 154 with lysine.
Molecular consequence: missense variant.
Genome position (GRCh38, 1-based): chr6:79,513,472, C>T on the plus strand (G>A on the coding strand, the complement: LCA5 is on the minus strand). VCF-style: chr6-79513472-C-T. GRCh37 (hg19) VCF-style: chr6-80223189-C-T.
Other names: c.460G>A, p.Glu154Lys (NM_181714.4); short protein forms E154K.
Identifiers: ClinVar variation 4891244 (VCV004891244.1).